The following is an entry in ClinVar:

ClinVar aggregate classification (germline): Pathogenic/Likely pathogenic. Review status: criteria provided, multiple submitters, no conflicts (2 of 4 stars). 3 submissions from 3 submitters: Pathogenic (1); Likely pathogenic (1). 1 of the submissions does not count toward it. Last evaluated 2024-07-30.

Conditions:
Tuberous sclerosis syndrome (TSC). Also called: Tuberous Sclerosis Complex; Tuberous sclerosis. Identifiers: Orphanet 805, MedGen C0041341, MONDO:0001734.
Tuberous sclerosis 2 (TSC2). Identifiers: Orphanet 805, MedGen C1860707, MONDO:0013199, OMIM 613254.

Submissions (3):

3billion
Classification: Likely pathogenic for Tuberous sclerosis 2. Last evaluated: 2024-07-30. Review status: criteria provided, single submitter. Criteria: ACMG Guidelines, 2015. Collection method: clinical testing. Allele origin: germline. Affected: yes.
Comment: The variant is not observed in the gnomAD v4.0.0 dataset. The majority of the known disease-causing variants of this gene are variants expected to result in premature termination of the protein. In silico tool predictions suggest damaging effect of the variant on gene or gene product [REVEL: 0.88 (>=0.6, sensitivity 0.68 and specificity 0.92); 3Cnet: 0.96 (>=0.6, sensitivity 0.72 and precision 0.9)]. The same nucleotide change resulting in the same amino acid change has been previously reported to be associated with TSC2 related disorder (PMID: 28074849). The variant has been observed in at least two similarly affected unrelated individuals (PMID: 28074849 / 3billion dataset). The variant has been previously reported as assumed (i.e. paternity and maternity not confirmed) de novo in at least one similarly affected unrelated individual (PMID: 28074849). A different missense change at the same codon (p.Leu733Pro) has been reported to be associated with TSC2-related disorder (ClinVar ID: VCV000050119 / PMID: 10942116). Therefore, this variant is classified as likely pathogenic according to the recommendation of ACMG/AMP guideline.

Labcorp Genetics (formerly Invitae), Labcorp
Classification: Pathogenic for Tuberous sclerosis 2. Last evaluated: 2022-04-16. Review status: criteria provided, single submitter. Criteria: Invitae Variant Classification Sherloc (09022015). Collection method: clinical testing. Allele origin: germline.
Comment: Algorithms developed to predict the effect of sequence changes on RNA splicing suggest that this variant may disrupt the consensus splice site. Algorithms developed to predict the effect of missense changes on protein structure and function are either unavailable or do not agree on the potential impact of this missense change (SIFT: "Deleterious"; PolyPhen-2: "Probably Damaging"; Align-GVGD: "Class C0"). ClinVar contains an entry for this variant (Variation ID: 65222). This missense change has been observed in individual(s) with tuberous sclerosis complex (PMID: 28074849). In at least one individual the variant was observed to be de novo. This variant is not present in population databases (gnomAD no frequency). This sequence change replaces leucine, which is neutral and non-polar, with valine, which is neutral and non-polar, at codon 733 of the TSC2 protein (p.Leu733Val). This variant disrupts the p.Leu733 amino acid residue in TSC2. Other variant(s) that disrupt this residue have been observed in individuals with TSC2-related conditions (PMID: 10942116), which suggests that this may be a clinically significant amino acid residue. For these reasons, this variant has been classified as Pathogenic.

Tuberous sclerosis database (TSC2)
No classification provided. Condition: TSC. Review status: no classification provided. Criteria: Tuberous Sclerosis Database Assertion Criteria 2015. Collection method: curation. Allele origin: germline. Affected: yes. Not counted in ClinVar's aggregate classification.

Literature cited by the submitters: PubMed 28074849 (cited by Labcorp Genetics (formerly Invitae), Labcorp); PubMed 10942116 (cited by Labcorp Genetics (formerly Invitae), Labcorp).

NM_000548.5(TSC2):c.2197C>G (p.Leu733Val)

Gene: TSC2 (TSC complex subunit 2; plus strand). Cytogenetic location: 16p13.3.
Variant type: single nucleotide variant.
Coding change: c.2197C>G on transcript NM_000548.5 (MANE Select); coding-DNA position 2197, C replaced by G.
Protein change: p.Leu733Val; replaces leucine 733 with valine.
Molecular consequence: missense variant.
Genome position (GRCh38, 1-based): chr16:2,072,340, C>G. VCF-style: chr16-2072340-C-G. GRCh37 (hg19) VCF-style: chr16-2122341-C-G.
Other names: c.2197C>G, p.Leu733Val (NM_001077183.3, NM_001114382.3, NM_001363528.2 and 3 more transcripts); c.2086C>G, p.Leu696Val (NM_001318827.2); c.2050C>G, p.Leu684Val (NM_001318829.2); c.1597C>G, p.Leu533Val (NM_001318831.2); c.2230C>G, p.Leu744Val (NM_001318832.2); short protein forms L733V, L696V, L744V, L684V, L533V.
Identifiers: ClinVar variation 65222 (VCV000065222.9), dbSNP rs397515163, ClinGen allele CA016903.